The following is an entry in ClinVar:

NM_172107.4(KCNQ2):c.296+5G>C

Gene: KCNQ2 (potassium voltage-gated channel subfamily Q member 2; minus strand). Cytogenetic location: 20q13.33.
Variant type: single nucleotide variant.
Coding change: c.296+5G>C on transcript NM_172107.4 (MANE Select); 5 bases into the intron after coding-DNA position 296, G replaced by C.
Molecular consequence: intron variant.
Genome position (GRCh38, 1-based): chr20:63,472,163, C>G on the plus strand (G>C on the coding strand, the complement: KCNQ2 is on the minus strand). VCF-style: chr20-63472163-C-G. GRCh37 (hg19) VCF-style: chr20-62103516-C-G.
Other names: c.296+5G>C (NM_004518.6, NM_172108.5, NM_172106.3 and 2 more transcripts).
Identifiers: ClinVar variation 2067537 (VCV002067537.4), dbSNP rs2145920846, ClinGen allele CA2580098395.

ClinVar aggregate classification (germline): Likely pathogenic (1 of 4 stars; one submission).

Conditions:
Early-infantile DEE. Also called: Early infantile epileptic encephalopathy; Ohtahara syndrome; Early infantile epileptic encephalopathy with suppression bursts. Identifiers: Orphanet 1934, MedGen C0393706, MONDO:0800491.

Submission:

Labcorp Genetics (formerly Invitae), Labcorp
Classification: Likely pathogenic for Early-infantile DEE. Last evaluated: 2025-10-01. Review status: criteria provided, single submitter. Criteria: Invitae Variant Classification Sherloc (09022015). Collection method: clinical testing. Allele origin: germline.
Comment: This sequence change falls in intron 1 of the KCNQ2 gene. It does not directly change the encoded amino acid sequence of the KCNQ2 protein. It affects a nucleotide within the consensus splice site. This variant is not present in population databases (gnomAD no frequency). This variant has been observed in individuals with KCNQ2-related conditions (internal data). It has also been observed to segregate with disease in related individuals. ClinVar contains an entry for this variant (Variation ID: 2067537). Variants that disrupt the consensus splice site are a relatively common cause of aberrant splicing (PMID: 17576681, 9536098). Algorithms developed to predict the effect of sequence changes on RNA splicing suggest that this variant may disrupt the consensus splice site. In summary, the currently available evidence indicates that the variant is pathogenic, but additional data are needed to prove that conclusively. Therefore, this variant has been classified as Likely Pathogenic.

Literature cited by the submitters: PubMed 17576681; PubMed 9536098.